The following is an entry in ClinVar:

ClinVar aggregate classification (germline): Uncertain significance (1 of 4 stars; one submission).

Conditions:
Granulomatous disease, chronic, autosomal recessive, cytochrome b-positive, type 2. Also called: GRANULOMATOUS DISEASE, CHRONIC, DUE TO NCF2 DEFICIENCY; GRANULOMATOUS DISEASE, CHRONIC, AUTOSOMAL RECESSIVE, 2; Chronic granulomatous disease due to deficiency of NCF-2; Chronic Granulomatous Disease, Autosomal Recessive, Cytochrome b-Positive, Type II; CGD, AUTOSOMAL RECESSIVE CYTOCHROME b-POSITIVE, TYPE II. Identifiers: Orphanet 379, MedGen C1856245, MONDO:0009310, OMIM 233710.

Submission:

Labcorp Genetics (formerly Invitae), Labcorp
Classification: Uncertain significance for Granulomatous disease, chronic, autosomal recessive, cytochrome b-positive, type 2. Last evaluated: 2021-08-30. Review status: criteria provided, single submitter. Criteria: Invitae Variant Classification Sherloc (09022015). Collection method: clinical testing. Allele origin: germline.
Comment: This sequence change replaces aspartic acid with glycine at codon 67 of the NCF2 protein (p.Asp67Gly). The aspartic acid residue is highly conserved and there is a moderate physicochemical difference between aspartic acid and glycine. This variant is not present in population databases (ExAC no frequency). This variant has not been reported in the literature in individuals affected with NCF2-related conditions. Algorithms developed to predict the effect of missense changes on protein structure and function (SIFT, PolyPhen-2, Align-GVGD) all suggest that this variant is likely to be disruptive. In summary, the available evidence is currently insufficient to determine the role of this variant in disease. Therefore, it has been classified as a Variant of Uncertain Significance.

NM_000433.4(NCF2):c.200A>G (p.Asp67Gly)

Gene: NCF2 (neutrophil cytosolic factor 2; minus strand). Cytogenetic location: 1q25.3.
Variant type: single nucleotide variant.
Coding change: c.200A>G on transcript NM_000433.4 (MANE Select); coding-DNA position 200, A replaced by G.
Protein change: p.Asp67Gly; replaces aspartic acid 67 with glycine.
Molecular consequence: missense variant.
Genome position (GRCh38, 1-based): chr1:183,586,952, T>C on the plus strand (A>G on the coding strand, the complement: NCF2 is on the minus strand). VCF-style: chr1-183586952-T-C. GRCh37 (hg19) VCF-style: chr1-183556087-T-C.
Other names: c.200A>G, p.Asp67Gly (NM_001127651.3, NM_001190789.2, NM_001190794.2); short protein forms D67G.
Identifiers: ClinVar variation 1003312 (VCV001003312.6), dbSNP rs1673381111, ClinGen allele CA343683399.